The following is an entry in ClinVar:

ClinVar aggregate classification (germline): Uncertain significance (1 of 4 stars; one submission).

Submission:

Labcorp Genetics (formerly Invitae), Labcorp
Classification: Uncertain significance. Last evaluated: 2022-05-25. Review status: criteria provided, single submitter. Criteria: Invitae Variant Classification Sherloc (09022015). Collection method: clinical testing. Allele origin: germline.
Comment: Experimental studies and prediction algorithms are not available or were not evaluated, and the functional significance of this variant is currently unknown. In summary, the available evidence is currently insufficient to determine the role of this variant in disease. Therefore, it has been classified as a Variant of Uncertain Significance. This variant has not been reported in the literature in individuals affected with RPL31-related conditions. This variant is not present in population databases (gnomAD no frequency). This variant, c.166_168del, results in the deletion of 1 amino acid(s) of the RPL31 protein (p.Glu56del), but otherwise preserves the integrity of the reading frame.

NM_000993.5(RPL31):c.166_168del (p.Glu56del)

Gene: RPL31 (ribosomal protein L31; plus strand). Cytogenetic location: 2q11.2.
Variant type: Deletion.
Coding change: c.166_168del on transcript NM_000993.5 (MANE Select); coding-DNA positions 166 to 168, 3 bases deleted (GAG; older notation c.166_168delGAG).
Protein change: p.Glu56del; deletes glutamic acid 56.
Molecular consequence: inframe deletion. On other transcripts: inframe indel (1).
Genome position (GRCh38, 1-based): chr2:101,004,216-101,004,218, GAG deleted; deleting any 3 consecutive bases within chr2:101,004,214-101,004,218 gives the same sequence; the c. name uses the placement nearest the transcript's 3' end. VCF-style (leftmost placement, unchanged base first): chr2-101004213-AAGG-A. GRCh37 (hg19) VCF-style: chr2-101620675-AAGG-A.
Other names: c.166_168del, p.Glu56del (NM_001098577.3, NM_001099693.2); c.166_168delGAG, p.Glu56del (NM_001098578.1); short protein forms E56del.
Identifiers: ClinVar variation 1999045 (VCV001999045.4), dbSNP rs2466872389, ClinGen allele CA2580063697.